The following is an entry in ClinVar:

NM_000101.4(CYBA):c.203+5G>A

Gene: CYBA (cytochrome b-245 alpha chain; minus strand). Cytogenetic location: 16q24.2.
Variant type: single nucleotide variant.
Coding change: c.203+5G>A on transcript NM_000101.4 (MANE Select); 5 bases into the intron after coding-DNA position 203, G replaced by A.
Molecular consequence: intron variant.
Genome position (GRCh38, 1-based): chr16:88,647,096, C>T on the plus strand (G>A on the coding strand, the complement: CYBA is on the minus strand). VCF-style: chr16-88647096-C-T. GRCh37 (hg19) VCF-style: chr16-88713504-C-T.
Identifiers: ClinVar variation 534660 (VCV000534660.8), dbSNP rs200590340, ClinGen allele CA8228397.

ClinVar aggregate classification (germline): Uncertain significance. Review status: criteria provided, multiple submitters, no conflicts (2 of 4 stars). 3 submissions from 3 submitters: Uncertain significance (2). 1 of the submissions does not count toward it. Last evaluated 2024-01-11.

Conditions:
Chronic granulomatous disease. Identifiers: Orphanet 379, MedGen C0018203, MONDO:0018305.
Granulomatous disease, chronic, autosomal recessive, cytochrome b-negative. Also called: CGD DUE TO DEFICIENCY OF THE ALPHA SUBUNIT OF CYTOCHROME b; CGD, AUTOSOMAL RECESSIVE CYTOCHROME b-NEGATIVE; CYBA DEFICIENCY; GRANULOMATOUS DISEASE, CHRONIC, AUTOSOMAL RECESSIVE, 4; Chronic granulomatous disease, autosomal, due to deficiency of CYBA. Identifiers: Orphanet 379, MedGen C1856255, MONDO:0009308, OMIM 233690.

Allele frequency attached by ClinVar (database versions not stated): 1000 Genomes Project 30x 0.00016; 1000 Genomes Project 0.00020; gnomAD 0.00024 and 0.00026; gnomAD exomes 0.00024 and 0.00097; TOPMed 0.00025; ExAC 0.00027; ESP Exome Variant Server 0.00085.
gnomAD v4.1: 1,407 of 1,609,676 alleles (0.087%); highest among the groups gnomAD compares: Non-Finnish European, 0.12%; 2 homozygotes.

Submissions (5):

Women's Health and Genetics/Laboratory Corporation of America, LabCorp
Classification: Uncertain significance. Last evaluated: 2024-01-11. Review status: criteria provided, single submitter. Criteria: LabCorp Variant Classification Summary - May 2015. Collection method: clinical testing. Allele origin: germline.
Comment: Variant summary: CYBA c.203+5G>A alters a conserved nucleotide located close to a canonical splice site and therefore could affect mRNA splicing, leading to a significantly altered protein sequence. Several computational tools predict a significant impact on normal splicing: One predict the variant abolishes a 5' splicing donor site. Three predict the variant weakens a 5' donor site. However, these predictions have yet to be confirmed by functional studies. The variant allele was found at a frequency of 0.00024 in 244146 control chromosomes (gnomAD). This frequency is not significantly higher than estimated for a pathogenic variant in CYBA causing Chronic Granulomatous Disease (0.00024 vs 0.00061), allowing no conclusion about variant significance. c.203+5G>A has been reported in the literature in one individual affected with Chronic Granulomatous Disease (Sacco_2019). The report does not provide unequivocal conclusions about association of the variant with Chronic Granulomatous Disease. To our knowledge, no experimental evidence demonstrating an impact on protein function has been reported. The following publication have been ascertained in the context of this evaluation (PMID: 31813112). ClinVar contains an entry for this variant (Variation ID: 534660). Based on the evidence outlined above, the variant was classified as uncertain significance.

Labcorp Genetics (formerly Invitae), Labcorp
Classification: Uncertain significance for Granulomatous disease, chronic, autosomal recessive, cytochrome b-negative. Last evaluated: 2022-09-13. Review status: criteria provided, single submitter. Criteria: Invitae Variant Classification Sherloc (09022015). Collection method: clinical testing. Allele origin: germline.
Comment: This sequence change falls in intron 3 of the CYBA gene. It does not directly change the encoded amino acid sequence of the CYBA protein. It affects a nucleotide within the consensus splice site. This variant is present in population databases (rs200590340, gnomAD 0.05%). This variant has not been reported in the literature in individuals affected with CYBA-related conditions. ClinVar contains an entry for this variant (Variation ID: 534660). Variants that disrupt the consensus splice site are a relatively common cause of aberrant splicing (PMID: 17576681, 9536098). Algorithms developed to predict the effect of sequence changes on RNA splicing suggest that this variant may disrupt the consensus splice site. In summary, the available evidence is currently insufficient to determine the role of this variant in disease. Therefore, it has been classified as a Variant of Uncertain Significance.

Natera, Inc.
Classification: Uncertain significance for Chronic granulomatous disease. Last evaluated: 2019-10-28. Review status: no assertion criteria provided. Collection method: clinical testing. Allele origin: germline. Not counted in ClinVar's aggregate classification.

Dr. Peter K. Rogan Lab, Western University
No classification provided (evidence only). Condition: Familial cancer of breast. Review status: no classification provided. Collection method: in vitro. Allele origin: not applicable. Functional consequence: retained intron. Not counted in ClinVar's aggregate classification.

Dr. Peter K. Rogan Lab, Western University
No classification provided (evidence only). Condition: Acute myeloid leukemia. Review status: no classification provided. Collection method: in vitro. Allele origin: not applicable. Functional consequence: retained intron. Not counted in ClinVar's aggregate classification.

Literature cited by the submitters: PubMed 31813112 (cited by Women's Health and Genetics/Laboratory Corporation of America, LabCorp); PubMed 17576681 (cited by Labcorp Genetics (formerly Invitae), Labcorp); PubMed 9536098 (cited by Labcorp Genetics (formerly Invitae), Labcorp).